The following is an entry in ClinVar:

NM_015274.3(MAN2B2):c.2259+36T>C

Gene: MAN2B2 (mannosidase alpha class 2B member 2; plus strand). Cytogenetic location: 4p16.1.
Variant type: single nucleotide variant.
Coding change: c.2259+36T>C on transcript NM_015274.3 (MANE Select); 36 bases into the intron after coding-DNA position 2259, T replaced by C.
Molecular consequence: intron variant.
Genome position (GRCh38, 1-based): chr4:6,610,086, T>C. VCF-style: chr4-6610086-T-C. GRCh37 (hg19) VCF-style: chr4-6611813-T-C.
Other names: c.2106+36T>C (NM_001292038.2).
Identifiers: ClinVar variation 2688176 (VCV002688176.2), dbSNP rs4689487, ClinGen allele CA2841234.

ClinVar aggregate classification (germline): Benign (1 of 4 stars; one submission).

Allele frequency attached by ClinVar (database versions not stated): gnomAD exomes 0.19617; ExAC 0.20758; gnomAD 0.23369; 1000 Genomes Project 0.23822; ESP Exome Variant Server 0.23958; 1000 Genomes Project 30x 0.24313; TOPMed 0.24588.
gnomAD v4.1: 321,146 of 1,609,950 alleles (20%); highest among the groups gnomAD compares: African/African-American, 34%; 33,589 homozygotes.

Submission:

Unidad de Genómica Garrahan, Hospital de Pediatría Garrahan
Classification: Benign. Last evaluated: 2024-01-24. Review status: criteria provided, single submitter. Criteria: ACMG Guidelines, 2015. Collection method: clinical testing. Allele origin: germline. Affected: no. Observed: 40 variant alleles.
Comment: This variant is classified as Benign based on local population frequency. This variant was detected in 42% of patients studied by a panel of primary immunodeficiencies. Number of patients: 40. Only high quality variants are reported.